The following is an entry in ClinVar:

NM_000237.3(LPL):c.772G>A (p.Gly258Arg)

Gene: LPL (lipoprotein lipase; plus strand). Cytogenetic location: 8p21.3.
Variant type: single nucleotide variant.
Coding change: c.772G>A on transcript NM_000237.3 (MANE Select); coding-DNA position 772, G replaced by A.
Protein change: p.Gly258Arg; replaces glycine 258 with arginine.
Molecular consequence: missense variant.
Genome position (GRCh38, 1-based): chr8:19,954,350, G>A. VCF-style: chr8-19954350-G-A. GRCh37 (hg19) VCF-style: chr8-19811861-G-A.
Other names: short protein forms G258R.
Identifiers: ClinVar variation 3539210 (VCV003539210.1).

ClinVar aggregate classification (germline): Uncertain significance (1 of 4 stars; one submission).

Conditions:
Cardiovascular phenotype. Identifiers: MedGen CN230736.

gnomAD v4.1: 4 of 1,612,870 alleles (0.00025%); highest among the groups gnomAD compares: South Asian, 0.0022%; no homozygotes.

Submission:

Ambry Genetics
Classification: Uncertain significance for Cardiovascular phenotype. Last evaluated: 2024-07-17. Review status: criteria provided, single submitter. Criteria: Ambry Variant Classification Scheme 2023. Collection method: clinical testing. Allele origin: germline.
Comment: The p.G258R variant (also known as c.772G>A), located in coding exon 5 of the LPL gene, results from a G to A substitution at nucleotide position 772. The glycine at codon 258 is replaced by arginine, an amino acid with dissimilar properties. This amino acid position is conserved. In addition, the in silico prediction for this alteration is inconclusive. Based on the available evidence, the clinical significance of this variant remains unclear.